The following is an entry in ClinVar:

NM_015443.4(KANSL1):c.3167C>T (p.Ala1056Val)

Gene: KANSL1 (KAT8 regulatory NSL complex subunit 1). Cytogenetic location: 17q21.31.
Variant type: single nucleotide variant.
Coding change: c.3167C>T on transcript NM_015443.4 (MANE Select); coding-DNA position 3167, C replaced by T.
Protein change: p.Ala1056Val; replaces alanine 1056 with valine.
Molecular consequence: missense variant.
Genome position (GRCh38, 1-based): chr17:46,031,627, G>A on the plus strand (C>T on the coding strand, the complement: KANSL1 is on the minus strand). VCF-style: chr17-46031627-G-A. GRCh37 (hg19) VCF-style: chr17-44108993-G-A.
Other names: c.3164C>T, p.Ala1055Val (NM_001193465.2); c.3167C>T, p.Ala1056Val (NM_001193466.2, NM_001379198.1); c.3167C>T (NM_001193466.1); short protein forms A1055V, A1056V.
Identifiers: ClinVar variation 1409370 (VCV001409370.7), dbSNP rs1363712616, ClinGen allele CA399986026.

ClinVar aggregate classification (germline): Uncertain significance. Review status: criteria provided, multiple submitters, no conflicts (2 of 4 stars). 2 submissions from 2 submitters: Uncertain significance (2). Last evaluated 2025-05-05.

Conditions:
Koolen-de Vries syndrome (KDVS). Identifiers: Orphanet 96169, MedGen C1864871, MONDO:0012496, OMIM 610443.
Inborn genetic diseases. Identifiers: MedGen C0950123, MeSH D030342.

Allele frequency attached by ClinVar (database versions not stated): gnomAD exomes below 0.00001 and 0.00001; gnomAD 0.00001.
gnomAD v4.1: 13 of 1,613,920 alleles (0.00081%); highest among the groups gnomAD compares: Non-Finnish European, 0.0011%; no homozygotes.

Submissions (2):

Ambry Genetics
Classification: Uncertain significance for Inborn genetic diseases. Last evaluated: 2025-05-05. Review status: criteria provided, single submitter. Criteria: Ambry Variant Classification Scheme 2023. Collection method: clinical testing. Allele origin: germline.

Labcorp Genetics (formerly Invitae), Labcorp
Classification: Uncertain significance for Koolen-de Vries syndrome. Last evaluated: 2021-09-09. Review status: criteria provided, single submitter. Criteria: Invitae Variant Classification Sherloc (09022015). Collection method: clinical testing. Allele origin: germline.
Comment: This sequence change replaces alanine with valine at codon 1056 of the KANSL1 protein (p.Ala1056Val). The alanine residue is highly conserved and there is a small physicochemical difference between alanine and valine. This variant is not present in population databases (ExAC no frequency). This variant has not been reported in the literature in individuals affected with KANSL1-related conditions. Algorithms developed to predict the effect of missense changes on protein structure and function are either unavailable or do not agree on the potential impact of this missense change (SIFT: "Deleterious"; PolyPhen-2: "Benign"; Align-GVGD: "Class C0"). In summary, the available evidence is currently insufficient to determine the role of this variant in disease. Therefore, it has been classified as a Variant of Uncertain Significance.